The following is an entry in ClinVar:

ClinVar aggregate classification (germline): Likely benign. Review status: criteria provided, multiple submitters, no conflicts (2 of 4 stars). 3 submissions from 3 submitters: Likely benign (3). Last evaluated 2025-11-17.

Conditions:
CACNA1F-related disorder. Also called: CACNA1F-related condition.

Allele frequency attached by ClinVar (database versions not stated): gnomAD exomes 0.00005 and 0.00008; TOPMed 0.00005; gnomAD 0.00006; ESP Exome Variant Server 0.00009; ExAC 0.00011; 1000 Genomes Project 30x 0.00021; 1000 Genomes Project 0.00026.
gnomAD v4.1: 96 of 1,202,296 alleles (0.008%); highest among the groups gnomAD compares: East Asian, 0.018%; no homozygotes.

Submissions (3):

Labcorp Genetics (formerly Invitae), Labcorp
Classification: Likely benign. Last evaluated: 2025-11-17. Review status: criteria provided, single submitter. Criteria: Invitae Variant Classification Sherloc (09022015). Collection method: clinical testing. Allele origin: germline.

PreventionGenetics, part of Exact Sciences
Classification: Likely benign for CACNA1F-related condition. Last evaluated: 2025-07-05. Review status: criteria provided, single submitter. Criteria: ACMG Guidelines, 2015. Collection method: clinical testing. Allele origin: germline.
Comment: This variant is classified as likely benign based on ACMG/AMP sequence variant interpretation guidelines (Richards et al. 2015 PMID: 25741868, with internal and published modifications).

Blueprint Genetics
Classification: Likely benign. Last evaluated: 2023-08-15. Review status: criteria provided, single submitter. Criteria: ACMG Guidelines, 2015. Collection method: clinical testing. Allele origin: germline.

NM_001256789.3(CACNA1F):c.2289-6G>A

Gene: CACNA1F (calcium voltage-gated channel subunit alpha1 F; minus strand). Cytogenetic location: Xp11.23.
Variant type: single nucleotide variant.
Coding change: c.2289-6G>A on transcript NM_001256789.3 (MANE Select); 6 bases into the intron before coding-DNA position 2289, G replaced by A.
Molecular consequence: intron variant.
Genome position (GRCh38, 1-based): chrX:49,221,086, C>T on the plus strand (G>A on the coding strand, the complement: CACNA1F is on the minus strand). VCF-style: chrX-49221086-C-T. GRCh37 (hg19) VCF-style: chrX-49077545-C-T.
Other names: c.2322-6G>A (NM_005183.3, NM_005183.4); c.2127-6G>A (NM_001256790.3).
Identifiers: ClinVar variation 1139142 (VCV001139142.11), dbSNP rs190495513, ClinGen allele CA10410710.
Genomic context (GRCh38, chrX:49,221,086, plus strand): 5'-CTAACTCACCAGGCCTTCATTCTCCTGTGGGAGATCCTTCTCATTGCTCTTCTCCCTGTG[C>T]GAGGAAATAGGGGTGATTGCTGCAGATGGGCTAAGGGAGATCACTACAGTCAGAACAGAC-3'